The following is an entry in ClinVar:

NM_000410.4(HFE):c.*170C>G

Gene: HFE (homeostatic iron regulator; plus strand). Cytogenetic location: 6p22.2.
Variant type: single nucleotide variant.
Coding change: c.*170C>G on transcript NM_000410.4 (MANE Select); 170 bases downstream of the stop codon, C replaced by G.
Molecular consequence: 3 prime UTR variant. On other transcripts: intron variant (3).
Genome position (GRCh38, 1-based): chr6:26,094,396, C>G. VCF-style: chr6-26094396-C-G. GRCh37 (hg19) VCF-style: chr6-26094624-C-G.
Other names: c.*170C>G (NM_001406751.1, NM_139003.3, NM_139004.3 and 6 more transcripts); c.1040-8C>G (NM_001384164.1); c.1007-8C>G (NM_001300749.3); c.743-8C>G (NM_001406752.1).
Identifiers: ClinVar variation 2498999 (VCV002498999.28), dbSNP rs558896899, ClinGen allele CA3666836.

ClinVar aggregate classification (germline): Likely benign (1 of 4 stars; one submission).

Allele frequency attached by ClinVar (database versions not stated): TOPMed 0.00021; 1000 Genomes Project 30x 0.00109; 1000 Genomes Project 0.00120; ExAC 0.00266; gnomAD exomes 0.00072.
gnomAD v4.1: 469 of 735,866 alleles (0.064%); highest among the groups gnomAD compares: South Asian, 0.38%; 10 homozygotes.

Submission:

CeGaT Center for Human Genetics Tuebingen
Classification: Likely benign. Last evaluated: 2024-01-01. Review status: criteria provided, single submitter. Criteria: CeGaT Center For Human Genetics Tuebingen Variant Classification Criteria Version 2. Collection method: clinical testing. Allele origin: germline. Affected: yes. Observed: 6 variant alleles.
Comment: HFE: BP4, BS2